The following is an entry in ClinVar:

NM_016335.6(PRODH):c.1660G>A (p.Val554Met)

Gene: PRODH (proline dehydrogenase 1; minus strand). Cytogenetic location: 22q11.21.
Variant type: single nucleotide variant.
Coding change: c.1660G>A on transcript NM_016335.6 (MANE Select); coding-DNA position 1660, G replaced by A.
Protein change: p.Val554Met; replaces valine 554 with methionine.
Molecular consequence: missense variant.
Genome position (GRCh38, 1-based): chr22:18,913,318, C>T on the plus strand (G>A on the coding strand, the complement: PRODH is on the minus strand). VCF-style: chr22-18913318-C-T. GRCh37 (hg19) VCF-style: chr22-18900831-C-T.
Other names: c.1336G>A, p.Val446Met (NM_001195226.2, NM_001368250.2); short protein forms V446M, V554M.
Identifiers: ClinVar variation 1949551 (VCV001949551.4), dbSNP rs146889635, ClinGen allele CA321313770.

ClinVar aggregate classification (germline): Uncertain significance. Review status: criteria provided, multiple submitters, no conflicts (2 of 4 stars). 3 submissions from 3 submitters: Uncertain significance (3). Last evaluated 2022-04-21.

Conditions:
Proline dehydrogenase deficiency (HYRPRO1). Also called: Hyperprolinemia type 1; PROLINE OXIDASE DEFICIENCY. Identifiers: Orphanet 419, MedGen C0268529, MONDO:0009400, OMIM 239500.
Inborn genetic diseases. Identifiers: MedGen C0950123, MeSH D030342.

Submissions (3):

Labcorp Genetics (formerly Invitae), Labcorp
Classification: Uncertain significance for Proline dehydrogenase deficiency. Last evaluated: 2022-04-21. Review status: criteria provided, single submitter. Criteria: Invitae Variant Classification Sherloc (09022015). Collection method: clinical testing. Allele origin: germline.
Comment: This sequence change replaces valine, which is neutral and non-polar, with methionine, which is neutral and non-polar, at codon 554 of the PRODH protein (p.Val554Met). The frequency data for this variant in the population databases is considered unreliable, as metrics indicate poor data quality at this position in the gnomAD database. This variant has not been reported in the literature in individuals affected with PRODH-related conditions. Algorithms developed to predict the effect of missense changes on protein structure and function are either unavailable or do not agree on the potential impact of this missense change (SIFT: "Deleterious"; PolyPhen-2: "Probably Damaging"; Align-GVGD: "Class C0"). In summary, the available evidence is currently insufficient to determine the role of this variant in disease. Therefore, it has been classified as a Variant of Uncertain Significance.

Blueprint Genetics
Classification: Uncertain significance. Last evaluated: 2021-12-21. Review status: criteria provided, single submitter. Criteria: ACMG Guidelines, 2015. Collection method: clinical testing. Allele origin: germline.

Ambry Genetics
Classification: Uncertain significance for Inborn genetic diseases. Last evaluated: 2021-11-08. Review status: criteria provided, single submitter. Criteria: Ambry Variant Classification Scheme 2023. Collection method: clinical testing. Allele origin: germline.